The following is an entry in ClinVar:

NM_000059.4(BRCA2):c.728_729del (p.Asn243fs)

Gene: BRCA2 (BRCA2 DNA repair associated; plus strand). Cytogenetic location: 13q13.1.
Variant type: Deletion.
Coding change: c.728_729del on transcript NM_000059.4 (MANE Select); coding-DNA positions 728 to 729, 2 bases deleted (AT; older notation c.728_729delAT).
Protein change: p.Asn243fs; shifts the reading frame from asparagine 243.
Molecular consequence: frameshift variant.
Genome position (GRCh38, 1-based): chr13:32,330,965-32,330,966, AT deleted. VCF-style (leftmost placement, unchanged base first): chr13-32330964-AAT-A. GRCh37 (hg19) VCF-style: chr13-32905101-AAT-A.
Other names: c.728_729delAT (NM_000059.3); c.728_729del (NM_000059.3); short protein forms N243fs.
Identifiers: ClinVar variation 826945 (VCV000826945.5), dbSNP rs1593890204, ClinGen allele CA915946949.

ClinVar aggregate classification (germline): Pathogenic/Likely pathogenic. Review status: criteria provided, multiple submitters, no conflicts (2 of 4 stars). 2 submissions from 2 submitters: Pathogenic (1); Likely pathogenic (1). Last evaluated 2022-10-06.

Conditions:
Breast and/or ovarian cancer. Identifiers: MedGen CN221562.
Hereditary cancer-predisposing syndrome. Also called: Neoplastic Syndromes, Hereditary; Tumor predisposition; Hereditary neoplastic syndrome; Hereditary Cancer Syndrome. Identifiers: Orphanet 140162, MedGen C0027672, MeSH D009386, MONDO:0015356.

Submissions (2):

CHEO Genetics Diagnostic Laboratory, Children's Hospital of Eastern Ontario
Classification: Likely pathogenic for Breast and/or ovarian cancer. Last evaluated: 2022-10-06. Review status: criteria provided, single submitter. Criteria: ACMG Guidelines, 2015. Collection method: clinical testing. Allele origin: germline.

Ambry Genetics
Classification: Pathogenic for Hereditary cancer-predisposing syndrome. Last evaluated: 2018-03-19. Review status: criteria provided, single submitter. Criteria: Ambry Variant Classification Scheme 2023. Collection method: clinical testing. Allele origin: germline.
Comment: The c.728_729delAT variant, located in coding exon 8 of the BRCA2 gene, results from a deletion of two nucleotides at nucleotide positions 728 to 729, causing a translational frameshift with a predicted alternate stop codon (p.N243Rfs*2). While this exact alteration has not been reported in the literature, another alteration resulting in a stop codon at the same position (c.715dupA also known as c.943insA) was detected in one proband with ovarian cancer and a family history of breast cancer (Maillet P et al. Cancer Genet. Cytogenet., 2006 Aug;169:62-8). In addition to the clinical data presented in the literature, this alteration is expected to result in loss of function by premature protein truncation or nonsense-mediated mRNA decay. As such, this alteration is interpreted as a disease-causing mutation.

Literature cited by the submitters: PubMed 16875939 (cited by Ambry Genetics).